The following is an entry in ClinVar:

NM_017763.6(RNF43):c.2054C>A (p.Thr685Asn)

Gene: RNF43 (ring finger protein 43; minus strand). Cytogenetic location: 17q22.
Variant type: single nucleotide variant.
Coding change: c.2054C>A on transcript NM_017763.6 (MANE Select); coding-DNA position 2054, C replaced by A.
Protein change: p.Thr685Asn; replaces threonine 685 with asparagine.
Molecular consequence: missense variant.
Genome position (GRCh38, 1-based): chr17:58,357,722, G>T on the plus strand (C>A on the coding strand, the complement: RNF43 is on the minus strand). VCF-style: chr17-58357722-G-T. GRCh37 (hg19) VCF-style: chr17-56435083-G-T.
Other names: c.2054C>A, p.Thr685Asn (NM_001305544.3); c.1673C>A, p.Thr558Asn (NM_001305545.2); short protein forms T558N, T685N.
Identifiers: ClinVar variation 1139108 (VCV001139108.38), dbSNP rs34464652, ClinGen allele CA8673074.

ClinVar aggregate classification (germline): Conflicting classifications of pathogenicity. Review status: criteria provided, conflicting classifications (1 of 4 stars). 7 submissions from 7 submitters: Uncertain significance (3); Benign (1); Likely benign (3). Last evaluated 2026-01-27.

Conditions:
Sessile serrated polyposis cancer syndrome (SSPCS). Identifiers: Orphanet 157798, MedGen C4310714, MONDO:0014919, OMIM 617108.
Hereditary cancer-predisposing syndrome. Also called: Tumor predisposition; Hereditary neoplastic syndrome; Hereditary Cancer Syndrome; Neoplastic Syndromes, Hereditary. Identifiers: Orphanet 140162, MedGen C0027672, MeSH D009386, MONDO:0015356.

Allele frequency attached by ClinVar (database versions not stated): gnomAD exomes 0.00004 and 0.00011; ExAC 0.00010; 1000 Genomes Project 30x 0.00016; 1000 Genomes Project 0.00020; gnomAD 0.00035 and 0.00038; ESP Exome Variant Server 0.00038; TOPMed 0.00043.
gnomAD v4.1: 121 of 1,611,948 alleles (0.0075%); highest among the groups gnomAD compares: African/African-American, 0.12%; no homozygotes.

Submissions (7):

Labcorp Genetics (formerly Invitae), Labcorp
Classification: Likely benign. Last evaluated: 2026-01-27. Review status: criteria provided, single submitter. Criteria: Invitae Variant Classification Sherloc (09022015). Collection method: clinical testing. Allele origin: germline.

Center for Genomic Medicine, Rigshospitalet, Copenhagen University Hospital
Classification: Uncertain significance. Last evaluated: 2025-03-04. Review status: criteria provided, single submitter. Criteria: ACMG Guidelines, 2015. Collection method: clinical testing. Allele origin: germline.

Molecular Diagnostics Laboratory, Catalan Institute of Oncology
Classification: Uncertain significance for Hereditary cancer-predisposing syndrome. Last evaluated: 2025-01-29. Review status: criteria provided, single submitter. Criteria: ACMG Guidelines, 2015. Collection method: clinical testing. Allele origin: germline.
Comment: BP4_Moderate c.2054C>A, located in exon 9 of the RNF43 gene, is predicted to result in the substitution of threonine by asparagine at codon 685, p.(Thr685Asn). This variant is found in 38/264968 alleles at a frequency of 0.003% in the gnomAD v2.1.1 database, non-cancer dataset. The REVEL meta-predictor score for this variant (0.024) suggests that it does not affect the protein function according to Pejaver 2022 thresholds (PMID: 36413997) and the SpliceAI algorithm predicts no significant impact on splicing (BP4_Moderate). To our knowledge, neither relevant clinical data nor well-established functional studies have been reported for this variant. This variant has been reported in the ClinVar database (1x benign, 2x likely benign, 1x uncertain significance) and has not been reported in LOVD. Based on currently available information, the variant c.2054C>A should be considered an uncertain significance variant according to ACMG/AMP classification guidelines.

GeneDx
Classification: Uncertain significance. Last evaluated: 2025-01-07. Review status: criteria provided, single submitter. Criteria: GeneDx Variant Classification Process June 2021. Collection method: clinical testing. Allele origin: germline.
Comment: Observed in an individual with breast cancer (PMID: 34646395); In silico analysis indicates that this missense variant does not alter protein structure/function; This variant is associated with the following publications: (PMID: 34646395)

Ambry Genetics
Classification: Likely benign. Last evaluated: 2024-07-30. Review status: criteria provided, single submitter. Criteria: Ambry Variant Classification Scheme 2023. Collection method: clinical testing. Allele origin: germline.

Department of Pathology and Laboratory Medicine, Sinai Health System
Classification: Likely benign for Sessile serrated polyposis cancer syndrome. Last evaluated: 2024-06-10. Review status: criteria provided, single submitter. Criteria: ACMG Guidelines, 2015. Collection method: clinical testing. Allele origin: germline. Affected: no.

CeGaT Center for Human Genetics Tuebingen
Classification: Benign. Last evaluated: 2022-03-01. Review status: criteria provided, single submitter. Criteria: CeGaT Center For Human Genetics Tuebingen Variant Classification Criteria Version 2. Collection method: clinical testing. Allele origin: germline. Affected: yes. Observed: 1 variant allele.
Comment: RNF43: BS1, BS2